The following is an entry in ClinVar:

NM_000061.3(BTK):c.1272G>T (p.Gln424His)

Gene: BTK (Bruton tyrosine kinase; minus strand). Cytogenetic location: Xq22.1.
Variant type: single nucleotide variant.
Coding change: c.1272G>T on transcript NM_000061.3 (MANE Select); coding-DNA position 1272, G replaced by T.
Protein change: p.Gln424His; replaces glutamine 424 with histidine.
Molecular consequence: missense variant. On other transcripts: intron variant (1).
Genome position (GRCh38, 1-based): chrX:101,356,861, C>A on the plus strand (G>T on the coding strand, the complement: BTK is on the minus strand). VCF-style: chrX-101356861-C-A. GRCh37 (hg19) VCF-style: chrX-100611849-C-A.
Other names: c.1374G>T, p.Gln458His (NM_001287344.2); c.1038+1513G>T (NM_001287345.2); short protein forms Q424H, Q458H.
Identifiers: ClinVar variation 2068933 (VCV002068933.4), dbSNP rs1555977917, ClinGen allele CA413925125.

ClinVar aggregate classification (germline): Uncertain significance (1 of 4 stars; one submission).

Conditions:
X-linked agammaglobulinemia with growth hormone deficiency (IGHD3). Also called: Isolated growth hormone deficiency type 3; Growth hormone deficiency with hypogammaglobulinemia; AGAMMAGLOBULINEMIA AND ISOLATED GROWTH HORMONE DEFICIENCY, X-LINKED; ISOLATED GROWTH HORMONE DEFICIENCY, TYPE III, WITH AGAMMAGLOBULINEMIA; FLEISHER SYNDROME; HYPOGAMMAGLOBULINEMIA AND ISOLATED GROWTH HORMONE DEFICIENCY, X-LINKED. Identifiers: Orphanet 231692, Orphanet 631, MedGen C0472813, MONDO:0010615, OMIM 307200.

Submission:

Labcorp Genetics (formerly Invitae), Labcorp
Classification: Uncertain significance for X-linked agammaglobulinemia with growth hormone deficiency. Last evaluated: 2022-01-01. Review status: criteria provided, single submitter. Criteria: Invitae Variant Classification Sherloc (09022015). Collection method: clinical testing. Allele origin: germline.
Comment: This sequence change replaces glutamine, which is neutral and polar, with histidine, which is basic and polar, at codon 424 of the BTK protein (p.Gln424His). This variant is not present in population databases (gnomAD no frequency). This variant has not been reported in the literature in individuals affected with BTK-related conditions. Advanced modeling of protein sequence and biophysical properties (such as structural, functional, and spatial information, amino acid conservation, physicochemical variation, residue mobility, and thermodynamic stability) performed at Invitae indicates that this missense variant is not expected to disrupt BTK protein function. In summary, the available evidence is currently insufficient to determine the role of this variant in disease. Therefore, it has been classified as a Variant of Uncertain Significance.